The following is an entry in ClinVar:

NM_013275.6(ANKRD11):c.4651G>A (p.Gly1551Arg)

Gene: ANKRD11 (ankyrin repeat domain 11; minus strand). Cytogenetic location: 16q24.3.
Variant type: single nucleotide variant.
Coding change: c.4651G>A on transcript NM_013275.6 (MANE Select); coding-DNA position 4651, G replaced by A.
Protein change: p.Gly1551Arg; replaces glycine 1551 with arginine.
Molecular consequence: missense variant.
Genome position (GRCh38, 1-based): chr16:89,281,891, C>T on the plus strand (G>A on the coding strand, the complement: ANKRD11 is on the minus strand). VCF-style: chr16-89281891-C-T. GRCh37 (hg19) VCF-style: chr16-89348299-C-T.
Other names: c.4651G>A, p.Gly1551Arg (NM_001256182.2, NM_001256183.2); short protein forms G1551R.
Identifiers: ClinVar variation 1706334 (VCV001706334.27), dbSNP rs2544231685, ClinGen allele CA397157106.
Genomic context (GRCh38, chr16:89,281,891, plus strand): 5'-TCTCCCTGGGCCTGGCGTCTTTCTTGCCTGGGTCTTTGGATGGCGCTACCTTATCATTCC[C>T]GTTGCTCATCTTCACTGGGTCGCCCTTTTCTTTCTCTGCACCGTCCTTGAATTTCTCCTT-3'
Protein context (NP_037407.4, residues 1541-1561): EKGDPVKMSN[Gly1551Arg]NDKVAPSKDP

ClinVar aggregate classification (germline): Uncertain significance. Review status: criteria provided, multiple submitters, no conflicts (2 of 4 stars). 2 submissions from 2 submitters: Uncertain significance (2). Last evaluated 2023-11-21.

Allele frequency attached by ClinVar (database versions not stated): gnomAD exomes below 0.00001.
gnomAD v4.1: 3 of 1,613,792 alleles (0.00019%); highest among the groups gnomAD compares: South Asian, 0.0011%; no homozygotes.

Submissions (2):

GeneDx
Classification: Uncertain significance. Last evaluated: 2023-11-21. Review status: criteria provided, single submitter. Criteria: GeneDx Variant Classification Process June 2021. Collection method: clinical testing. Allele origin: germline.
Comment: Not observed at significant frequency in large population cohorts (gnomAD); In silico analysis supports that this missense variant does not alter protein structure/function; Has not been previously published as pathogenic or benign to our knowledge

CeGaT Center for Human Genetics Tuebingen
Classification: Uncertain significance. Last evaluated: 2022-05-01. Review status: criteria provided, single submitter. Criteria: CeGaT Center For Human Genetics Tuebingen Variant Classification Criteria Version 2. Collection method: clinical testing. Allele origin: germline. Affected: yes. Observed: 1 variant allele.
Comment: ANKRD11: PM2, BP4